The following is an entry in ClinVar:

NM_020937.4(FANCM):c.4959G>A (p.Met1653Ile)

Gene: FANCM (FA complementation group M; plus strand). Cytogenetic location: 14q21.2.
Variant type: single nucleotide variant.
Coding change: c.4959G>A on transcript NM_020937.4 (MANE Select); coding-DNA position 4959, G replaced by A.
Protein change: p.Met1653Ile; replaces methionine 1653 with isoleucine.
Molecular consequence: missense variant.
Genome position (GRCh38, 1-based): chr14:45,188,981, G>A. VCF-style: chr14-45188981-G-A. GRCh37 (hg19) VCF-style: chr14-45658184-G-A.
Other names: c.4881G>A, p.Met1627Ile (NM_001308133.2); c.4959G>A (LRG_502t1); short protein forms M1653I, M1627I.
Identifiers: ClinVar variation 572179 (VCV000572179.18), dbSNP rs143152888, ClinGen allele CA7169884.
Genomic context (GRCh38, chr14:45,188,981, plus strand): 5'-TTGCTTTGCAAATAGTAAAAAGTATAAAACTCGACGTGCAGTAATGCTAAAAGAAATGAT[G>A]GAACAAAATTGTGCACATTCAAAAAAGAAATTATCCAGAATTATTTTACCAGATGATTCA-3'
Protein context (NP_065988.1, residues 1643-1663): TRRAVMLKEM[Met1653Ile]EQNCAHSKKK

ClinVar aggregate classification (germline): Conflicting classifications of pathogenicity. Review status: criteria provided, conflicting classifications (1 of 4 stars). 5 submissions from 5 submitters: Uncertain significance (4); Likely benign (1). Last evaluated 2025-12-23.

Conditions:
Spermatogenic failure 28. Identifiers: MedGen C4748117, MONDO:0054732, OMIM 618086.
Premature ovarian failure 15. Identifiers: MedGen C4748170, MONDO:0054862, OMIM 618096.
Hereditary cancer. Identifiers: MedGen C1333600.
Fanconi anemia (FA). Also called: Fanconi's anemia. Identifiers: Orphanet 84, MedGen C0015625, MeSH D005199, MONDO:0019391.
Inborn genetic diseases. Identifiers: MedGen C0950123, MeSH D030342.

Allele frequency attached by ClinVar (database versions not stated): gnomAD exomes 0.00001 and 0.00002; ExAC 0.00002; ESP Exome Variant Server 0.00008; TOPMed 0.00008; gnomAD 0.00014 and 0.00015; 1000 Genomes Project 30x 0.00016; 1000 Genomes Project 0.00040.

Submissions (5):

Labcorp Genetics (formerly Invitae), Labcorp
Classification: Uncertain significance for Fanconi anemia. Last evaluated: 2025-12-23. Review status: criteria provided, single submitter. Criteria: Invitae Variant Classification Sherloc (09022015). Collection method: clinical testing. Allele origin: germline.
Comment: This sequence change replaces methionine, which is neutral and non-polar, with isoleucine, which is neutral and non-polar, at codon 1653 of the FANCM protein (p.Met1653Ile). This variant is present in population databases (rs143152888, gnomAD 0.04%). This variant has not been reported in the literature in individuals affected with FANCM-related conditions. ClinVar contains an entry for this variant (Variation ID: 572179). An algorithm developed to predict the effect of missense changes on protein structure and function outputs the following: PolyPhen-2: "Benign". The isoleucine amino acid residue is found in multiple mammalian species, which suggests that this missense change does not adversely affect protein function. In summary, the available evidence is currently insufficient to determine the role of this variant in disease. Therefore, it has been classified as a Variant of Uncertain Significance.

Ambry Genetics
Classification: Uncertain significance for Inborn genetic diseases. Last evaluated: 2024-11-24. Review status: criteria provided, single submitter. Criteria: Ambry Variant Classification Scheme 2023. Collection method: clinical testing. Allele origin: germline.
Comment: The p.M1653I variant (also known as c.4959G>A), located in coding exon 20 of the FANCM gene, results from a G to A substitution at nucleotide position 4959. The methionine at codon 1653 is replaced by isoleucine, an amino acid with highly similar properties. This amino acid position is conserved. In addition, this alteration is predicted to be tolerated by in silico analysis. Based on the available evidence, the clinical significance of this variant remains unclear.

Mendelics
Classification: Likely benign for Hereditary cancer. Last evaluated: 2024-09-11. Review status: criteria provided, single submitter. Criteria: ACMG Guidelines, 2015. Collection method: clinical testing. Allele origin: unknown.
Comment: This variant is considered likely benign or benign based on one or more of the following: it is predicted to be benign by multiple in silico algorithms, and/or has population frequency not consistent with disease, and/or has normal protein function, and/or has lack of segregation with disease, and/or has been detected in co-occurrence with known pathogenic variant, and/or has lack of disease association in case-control studies, and/or is located in a region inconsistent with a known cause of pathogenicity.

GeneDx
Classification: Uncertain significance. Last evaluated: 2022-10-20. Review status: criteria provided, single submitter. Criteria: GeneDx Variant Classification Process June 2021. Collection method: clinical testing. Allele origin: germline. Affected: yes.
Comment: In silico analysis supports that this missense variant does not alter protein structure/function; Has not been previously published as pathogenic or benign to our knowledge

Fulgent Genetics
Classification: Uncertain significance for Spermatogenic failure 28; Premature ovarian failure 15. Last evaluated: 2022-05-22. Review status: criteria provided, single submitter. Criteria: ACMG Guidelines, 2015. Collection method: clinical testing. Allele origin: unknown.